The following is an entry in ClinVar:

ClinVar aggregate classification (germline): Likely benign (0 of 4 stars; one submission).

Conditions:
THOP1-related disorder. Also called: THOP1-related condition.

Allele frequency attached by ClinVar (database versions not stated): ExAC 0.00067; 1000 Genomes Project 0.00160; gnomAD 0.00162; TOPMed 0.00181; 1000 Genomes Project 30x 0.00187; ESP Exome Variant Server 0.00200.
gnomAD v4.1: 583 of 1,612,618 alleles (0.036%); highest among the groups gnomAD compares: African/African-American, 0.54%; no homozygotes.

Submission:

PreventionGenetics, part of Exact Sciences
Classification: Likely benign for THOP1-related condition. Last evaluated: 2023-02-27. Review status: no assertion criteria provided. Collection method: clinical testing. Allele origin: germline.
Comment: This variant is classified as likely benign based on ACMG/AMP sequence variant interpretation guidelines (Richards et al. 2015 PMID: 25741868, with internal and published modifications).

NM_003249.5(THOP1):c.1048T>C (p.Cys350Arg)

Gene: THOP1 (thimet oligopeptidase 1; plus strand). Cytogenetic location: 19p13.3.
Variant type: single nucleotide variant.
Coding change: c.1048T>C on transcript NM_003249.5 (MANE Select); coding-DNA position 1048, T replaced by C.
Protein change: p.Cys350Arg; replaces cysteine 350 with arginine.
Molecular consequence: missense variant.
Genome position (GRCh38, 1-based): chr19:2,807,603, T>C. VCF-style: chr19-2807603-T-C. GRCh37 (hg19) VCF-style: chr19-2807601-T-C.
Other names: short protein forms C350R.
Identifiers: ClinVar variation 3037413 (VCV003037413.2), dbSNP rs148139735, ClinGen allele CA9069790.